The following is an entry in ClinVar:

NM_022553.6(VPS52):c.64G>A (p.Asp22Asn)

Gene: VPS52 (VPS52 subunit of GARP complex; minus strand). Cytogenetic location: 6p21.32.
Variant type: single nucleotide variant.
Coding change: c.64G>A on transcript NM_022553.6 (MANE Select); coding-DNA position 64, G replaced by A.
Protein change: p.Asp22Asn; replaces aspartic acid 22 with asparagine.
Molecular consequence: missense variant. On other transcripts: 5 prime UTR variant (1), intron variant (2).
Genome position (GRCh38, 1-based): chr6:33,271,612, C>T on the plus strand (G>A on the coding strand, the complement: VPS52 is on the minus strand). VCF-style: chr6-33271612-C-T. GRCh37 (hg19) VCF-style: chr6-33239389-C-T.
Other names: c.-534G>A (NM_001289174.2); c.-286+293G>A (NM_001289176.1, NM_001289175.1); short protein forms D22N.
Identifiers: ClinVar variation 1703097 (VCV001703097.3), dbSNP rs1485299587, ClinGen allele CA363626626.
Genomic context (GRCh38, chr6:33,271,612, plus strand): 5'-GAACTACGGAGGAGAAACAGCTCCGCGCTCTCACCAGCGGGCCCTCTTCCTCCTCCATAT[C>T]TGAGGTCCCAGCCCGCAACACCAGTTCCCGGGCCGCAGCCGCCATGGTCGCAGCGGCGGC-3'
Protein context (NP_072047.4, residues 12-32): RELVLRAGTS[Asp22Asn]MEEEEGPLAG

ClinVar aggregate classification (germline): Uncertain significance (1 of 4 stars; one submission).

Allele frequency attached by ClinVar (database versions not stated): gnomAD 0.00001; TOPMed 0.00001.
gnomAD v4.1: 11 of 1,611,570 alleles (0.00068%); highest among the groups gnomAD compares: Non-Finnish European, 0.00093%; no homozygotes.

Submission:

Greenwood Genetic Center Diagnostic Laboratories, Greenwood Genetic Center
Classification: Uncertain significance. Last evaluated: 2022-06-07. Review status: criteria provided, single submitter. Criteria: ACMG Guidelines, 2015. Collection method: clinical testing. Allele origin: germline. Affected: yes.
Comment: Gene of Uncertain Significance